The following is an entry in ClinVar:

ClinVar aggregate classification (germline): Likely pathogenic (1 of 4 stars; one submission).

Conditions:
Neurodevelopmental, jaw, eye, and digital syndrome (NEDJED). Identifiers: MedGen C5394477, MONDO:0030057, OMIM 618914.

Submission:

Laboratory of Medical Genetics, National & Kapodistrian University of Athens
Classification: Likely pathogenic for Neurodevelopmental, jaw, eye, and digital syndrome. Last evaluated: 2024-04-19. Review status: criteria provided, single submitter. Criteria: ACMG Guidelines, 2015. Collection method: clinical testing. Allele origin: de novo. Affected: yes.
Comment: PS2, PM2, PP2, PP3 - Absent from gnomAD. In silico prediction tools estimated that the variant could be damaging for the protein function/stracture. The variant was detected de novo (paternity confirmed).

NM_001378974.1(FBXW11):c.1277G>T (p.Gly426Val)

Gene: FBXW11 (F-box and WD repeat domain containing 11; minus strand). Cytogenetic location: 5q35.1.
Variant type: single nucleotide variant.
Coding change: c.1277G>T on transcript NM_001378974.1 (MANE Select); coding-DNA position 1277, G replaced by T.
Protein change: p.Gly426Val; replaces glycine 426 with valine.
Molecular consequence: missense variant.
Genome position (GRCh38, 1-based): chr5:171,872,935, C>A on the plus strand (G>T on the coding strand, the complement: FBXW11 is on the minus strand). VCF-style: chr5-171872935-C-A. GRCh37 (hg19) VCF-style: chr5-171299939-C-A.
Other names: c.1208G>T, p.Gly403Val (NM_001378975.1); c.1181G>T, p.Gly394Val (NM_001378976.1); c.1118G>T, p.Gly373Val (NM_001378977.1, NM_001378978.1, NM_001378979.1); c.1112G>T, p.Gly371Val (NM_001378980.1, NM_033645.3); c.1214G>T, p.Gly405Val (NM_012300.3); c.1175G>T, p.Gly392Val (NM_033644.3); short protein forms G371V, G373V, G392V, G394V, G403V, G405V, G426V.
Identifiers: ClinVar variation 3256589 (VCV003256589.1).